The following is an entry in ClinVar:

ClinVar aggregate classification (germline): Uncertain significance (1 of 4 stars; one submission).

Conditions:
BBS2-related disorder. Also called: BBS2-related condition; BBS2-related disorders. Identifiers: MedGen CN239228.

gnomAD v4.1: 1 of 1,613,994 alleles (0.000062%); highest among the groups gnomAD compares: Admixed American, 0.0017%; no homozygotes.

Submission:

PreventionGenetics, part of Exact Sciences
Classification: Uncertain significance for BBS2-related condition. Last evaluated: 2026-09-09. Review status: criteria provided, single submitter. Criteria: ACMG Guidelines, 2015. Collection method: clinical testing. Allele origin: germline.
Comment: The BBS2 c.2137A>G variant is predicted to result in the amino acid substitution p.Ile713Val. To our knowledge, this variant has not been reported in the literature. This variant is reported in 0.0062% of alleles in individuals of African descent in gnomAD. At this time, the clinical significance of this variant is uncertain due to the absence of conclusive functional and genetic evidence.

NM_031885.5(BBS2):c.2137A>G (p.Ile713Val)

Gene: BBS2 (Bardet-Biedl syndrome 2; minus strand). Cytogenetic location: 16q13.
Variant type: single nucleotide variant.
Coding change: c.2137A>G on transcript NM_031885.5 (MANE Select); coding-DNA position 2137, A replaced by G.
Protein change: p.Ile713Val; replaces isoleucine 713 with valine.
Molecular consequence: missense variant. On other transcripts: non-coding transcript variant (5).
Genome position (GRCh38, 1-based): chr16:56,484,790, T>C on the plus strand (A>G on the coding strand, the complement: BBS2 is on the minus strand). VCF-style: chr16-56484790-T-C. GRCh37 (hg19) VCF-style: chr16-56518702-T-C.
Other names: c.2137A>G, p.Ile713Val (NM_001377456.1); short protein forms I713V.
Identifiers: ClinVar variation 4979337 (VCV004979337.1).